The following is an entry in ClinVar:

ClinVar aggregate classification (germline): Uncertain significance (1 of 4 stars; one submission).

Allele frequency attached by ClinVar (database versions not stated): ExAC 0.00001; gnomAD exomes 0.00001.

Submission:

Labcorp Genetics (formerly Invitae), Labcorp
Classification: Uncertain significance. Last evaluated: 2025-10-08. Review status: criteria provided, single submitter. Criteria: Invitae Variant Classification Sherloc (09022015). Collection method: clinical testing. Allele origin: germline.
Comment: This sequence change replaces aspartic acid, which is acidic and polar, with asparagine, which is neutral and polar, at codon 124 of the RUSC2 protein (p.Asp124Asn). This variant is present in population databases (rs764261082, gnomAD 0.001%). This variant has not been reported in the literature in individuals affected with RUSC2-related conditions. ClinVar contains an entry for this variant (Variation ID: 1913511). An algorithm developed to predict the effect of missense changes on protein structure and function outputs the following: PolyPhen-2: "Benign". The asparagine amino acid residue is found in multiple mammalian species, which suggests that this missense change does not adversely affect protein function. In summary, the available evidence is currently insufficient to determine the role of this variant in disease. Therefore, it has been classified as a Variant of Uncertain Significance.

NM_014806.5(RUSC2):c.370G>A (p.Asp124Asn)

Gene: RUSC2 (RUN and SH3 domain containing 2; plus strand). Cytogenetic location: 9p13.3.
Variant type: single nucleotide variant.
Coding change: c.370G>A on transcript NM_014806.5 (MANE Select); coding-DNA position 370, G replaced by A.
Protein change: p.Asp124Asn; replaces aspartic acid 124 with asparagine.
Molecular consequence: missense variant. On other transcripts: non-coding transcript variant (1), intron variant (1).
Genome position (GRCh38, 1-based): chr9:35,546,891, G>A. VCF-style: chr9-35546891-G-A. GRCh37 (hg19) VCF-style: chr9-35546888-G-A.
Other names: c.370G>A, p.Asp124Asn (NM_001135999.2); c.-620-8169G>A (NM_001330740.2); short protein forms D124N.
Identifiers: ClinVar variation 1913511 (VCV001913511.3), dbSNP rs764261082, ClinGen allele CA5043454.